The following is an entry in ClinVar:

ClinVar aggregate classification (germline): Likely benign (1 of 4 stars; one submission).

Allele frequency attached by ClinVar (database versions not stated): TOPMed 0.00001; gnomAD 0.00002; gnomAD exomes 0.00006.
gnomAD v4.1: 13 of 295,760 alleles (0.0044%); highest among the groups gnomAD compares: Non-Finnish European, 0.0071%; no homozygotes.

Submission:

CeGaT Center for Human Genetics Tuebingen
Classification: Likely benign. Last evaluated: 2023-04-01. Review status: criteria provided, single submitter. Criteria: CeGaT Center For Human Genetics Tuebingen Variant Classification Criteria Version 2. Collection method: clinical testing. Allele origin: germline. Affected: yes. Observed: 1 variant allele.
Comment: SERTM2: BP4, BP7

NM_001354473.2(SERTM2):c.12G>A (p.Ala4=)

Gene: SERTM2 (serine rich and transmembrane domain containing 2; plus strand). Cytogenetic location: Xq23.
Variant type: single nucleotide variant.
Coding change: c.12G>A on transcript NM_001354473.2 (MANE Select); coding-DNA position 12, G replaced by A.
Protein change: p.Ala4=; no amino-acid change (alanine 4 retained).
Molecular consequence: synonymous variant.
Genome position (GRCh38, 1-based): chrX:111,518,869, G>A. VCF-style: chrX-111518869-G-A. GRCh37 (hg19) VCF-style: chrX-110762097-G-A.
Identifiers: ClinVar variation 2661207 (VCV002661207.24), dbSNP rs931005920, ClinGen allele CA334429053.